The following is an entry in ClinVar:

ClinVar aggregate classification (germline): Pathogenic. Review status: criteria provided, single submitter (1 of 4 stars). 2 submissions from 2 submitters: Pathogenic (1). 1 of the submissions does not count toward it. Last evaluated 2024-03-20.

Conditions:
Cardiomyopathy, dilated, with wooly hair, keratoderma, and tooth agenesis. Also called: Cardiomyopathy, dilated, with woolly hair, keratoderma, and tooth agenesis; Erythrokeratodermia-cardiomyopathy syndrome. Identifiers: Orphanet 476096, Orphanet 65282, MedGen C4014393, MONDO:0014355, OMIM 615821.
Arrhythmogenic cardiomyopathy with wooly hair and keratoderma. Also called: Arrhythmogenic cardiomyopathy with woolly hair and keratoderma; Carvajal syndrome; Dilated cardiomyopathy with woolly hair and keratoderma; PALMOPLANTAR KERATODERMA WITH LEFT VENTRICULAR CARDIOMYOPATHY AND WOOLLY HAIR. Identifiers: Orphanet 65282, MedGen C1854063, MONDO:0011581, OMIM 605676.
Arrhythmogenic right ventricular dysplasia 8 (ARVD8). Also called: ARRHYTHMOGENIC RIGHT VENTRICULAR DYSPLASIA, FAMILIAL, 8; ARRHYTHMOGENIC RIGHT VENTRICULAR CARDIOMYOPATHY 8; Arrhythmogenic Right Ventricular Dysplasia/Cardiomyopathy 8. Identifiers: MedGen C1843896, MONDO:0011831, OMIM 607450.

Submissions (2):

Labcorp Genetics (formerly Invitae), Labcorp
Classification: Pathogenic for Arrhythmogenic cardiomyopathy with wooly hair and keratoderma; Arrhythmogenic right ventricular dysplasia 8. Last evaluated: 2024-03-20. Review status: criteria provided, single submitter. Criteria: Invitae Variant Classification Sherloc (09022015). Collection method: clinical testing. Allele origin: germline.
Comment: This sequence change replaces leucine, which is neutral and non-polar, with proline, which is neutral and non-polar, at codon 622 of the DSP protein (p.Leu622Pro). This variant is not present in population databases (gnomAD no frequency). This missense change has been observed in individual(s) with autosomal dominant DSP-related cardiomyopathy with wooly hair and palmoplantar keratoderma syndrome (PMID: 26604139, 26833927). In at least one individual the variant was observed to be de novo. ClinVar contains an entry for this variant (Variation ID: 372127). An algorithm developed to predict the effect of missense changes on protein structure and function (PolyPhen-2) suggests that this variant is likely to be disruptive. Experimental studies have shown that this missense change affects DSP function (PMID: 26604139). For these reasons, this variant has been classified as Pathogenic.

OMIM
Classification: Pathogenic for CARDIOMYOPATHY, DILATED, WITH WOOLLY HAIR, KERATODERMA, AND TOOTH AGENESIS. Last evaluated: 2016-11-22. Review status: no assertion criteria provided. Collection method: literature only. Allele origin: germline. Not counted in ClinVar's aggregate classification.

Literature cited by the submitters: PubMed 26604139 (cited by Labcorp Genetics (formerly Invitae), Labcorp and OMIM); PubMed 26833927 (cited by Labcorp Genetics (formerly Invitae), Labcorp).

NM_004415.4(DSP):c.1865T>C (p.Leu622Pro)

Gene: DSP (desmoplakin; plus strand). Cytogenetic location: 6p24.3.
Variant type: single nucleotide variant.
Coding change: c.1865T>C on transcript NM_004415.4 (MANE Select); coding-DNA position 1865, T replaced by C.
Protein change: p.Leu622Pro; replaces leucine 622 with proline.
Molecular consequence: missense variant.
Genome position (GRCh38, 1-based): chr6:7,571,546, T>C. VCF-style: chr6-7571546-T-C. GRCh37 (hg19) VCF-style: chr6-7571779-T-C.
Other names: c.1865T>C (LRG_423t1); c.1865T>C, p.Leu622Pro (NM_001008844.3, NM_001319034.2); short protein forms L622P.
Identifiers: ClinVar variation 372127 (VCV000372127.3), dbSNP rs1554107098, ClinGen allele CA362679638.